The following is an entry in ClinVar:

ClinVar aggregate classification (germline): Uncertain significance (1 of 4 stars; one submission).

Allele frequency attached by ClinVar (database versions not stated): ExAC 0.00001.
gnomAD v4.1: 1 of 1,612,320 alleles (0.000062%); highest among the groups gnomAD compares: Non-Finnish European, 0.000085%; no homozygotes.

Submission:

Labcorp Genetics (formerly Invitae), Labcorp
Classification: Uncertain significance. Last evaluated: 2022-09-27. Review status: criteria provided, single submitter. Criteria: Invitae Variant Classification Sherloc (09022015). Collection method: clinical testing. Allele origin: germline.
Comment: In summary, the available evidence is currently insufficient to determine the role of this variant in disease. Therefore, it has been classified as a Variant of Uncertain Significance. Algorithms developed to predict the effect of missense changes on protein structure and function output the following: SIFT: "Tolerated"; PolyPhen-2: "Benign"; Align-GVGD: "Class C0". The histidine amino acid residue is found in multiple mammalian species, which suggests that this missense change does not adversely affect protein function. This variant has not been reported in the literature in individuals affected with RFWD3-related conditions. This variant is present in population databases (rs756732813, gnomAD 0.0009%). This sequence change replaces glutamine, which is neutral and polar, with histidine, which is basic and polar, at codon 394 of the RFWD3 protein (p.Gln394His).

NM_018124.4(RFWD3):c.1182A>C (p.Gln394His)

Gene: RFWD3 (ring finger and WD repeat domain 3; minus strand). Cytogenetic location: 16q23.1.
Variant type: single nucleotide variant.
Coding change: c.1182A>C on transcript NM_018124.4 (MANE Select); coding-DNA position 1182, A replaced by C.
Protein change: p.Gln394His; replaces glutamine 394 with histidine.
Molecular consequence: missense variant.
Genome position (GRCh38, 1-based): chr16:74,637,868, T>G on the plus strand (A>C on the coding strand, the complement: RFWD3 is on the minus strand). VCF-style: chr16-74637868-T-G. GRCh37 (hg19) VCF-style: chr16-74671766-T-G.
Other names: c.1182A>C, p.Gln394His (NM_001370534.1, NM_001370535.1, NM_001370536.1); c.348A>C, p.Gln116His (NM_001370537.1, NM_001370539.1, NM_001370540.1 and 3 more transcripts); short protein forms Q116H, Q394H.
Identifiers: ClinVar variation 2032887 (VCV002032887.4), dbSNP rs756732813, ClinGen allele CA8169295.